The following is an entry in ClinVar:

NM_005653.5(TFCP2):c.564+8G>A

Gene: TFCP2 (transcription factor CP2; minus strand). Cytogenetic location: 12q13.13.
Variant type: single nucleotide variant.
Coding change: c.564+8G>A on transcript NM_005653.5 (MANE Select); 8 bases into the intron after coding-DNA position 564, G replaced by A.
Molecular consequence: intron variant.
Genome position (GRCh38, 1-based): chr12:51,110,869, C>T on the plus strand (G>A on the coding strand, the complement: TFCP2 is on the minus strand). VCF-style: chr12-51110869-C-T. GRCh37 (hg19) VCF-style: chr12-51504652-C-T.
Other names: c.564+8G>A (NM_001173453.2, NM_001173452.2).
Identifiers: ClinVar variation 3046167 (VCV003046167.2), dbSNP rs372623340, ClinGen allele CA6567934.
Genomic context (GRCh38, chr12:51,110,869, plus strand): 5'-CTTTAAGAAATAAACTGATAGTAAGAGAGATACTCTTCAAAACTGGAACCCTATCTGCAA[C>T]GCCTTACCTGAATAAACACAGATGTCCTCTTTGCAGGGTCCCACAGGAACTCCACTGTAT-3'

ClinVar aggregate classification (germline): Likely benign (0 of 4 stars; one submission).

Conditions:
TFCP2-related disorder. Also called: TFCP2-related condition.

Allele frequency attached by ClinVar (database versions not stated): ExAC 0.00007; gnomAD 0.00012; TOPMed 0.00012; ESP Exome Variant Server 0.00023; gnomAD exomes 0.00024.
gnomAD v4.1: 360 of 1,595,140 alleles (0.023%); highest among the groups gnomAD compares: Non-Finnish European, 0.03%; no homozygotes.

Submission:

PreventionGenetics, part of Exact Sciences
Classification: Likely benign for TFCP2-related condition. Last evaluated: 2019-10-28. Review status: no assertion criteria provided. Collection method: clinical testing. Allele origin: germline.
Comment: This variant is classified as likely benign based on ACMG/AMP sequence variant interpretation guidelines (Richards et al. 2015 PMID: 25741868, with internal and published modifications).